The following is an entry in ClinVar:

ClinVar aggregate classification (germline): Likely pathogenic (1 of 4 stars; one submission).

Conditions:
Microcephaly, facial dysmorphism, renal agenesis, and ambiguous genitalia syndrome. Identifiers: MedGen C4748348, MONDO:0020647, OMIM 618142.

Submission:

Juno Genomics, Hangzhou Juno Genomics, Inc
Classification: Likely pathogenic for Microcephaly, facial dysmorphism, renal agenesis, and ambiguous genitalia syndrome. Review status: criteria provided, single submitter. Criteria: ACMG Guidelines, 2015. Collection method: clinical testing. Allele origin: germline.
Comment: Absent from controls (or at extremely low frequency if recessive) in Genome Aggregation Database.;Null variant in a gene where loss of function (LOF) is a known mechanism of disease.

NM_001012759.3(CTU2):c.1289del (p.Pro430fs)

Gene: CTU2 (cytosolic thiouridylase subunit 2; plus strand). Cytogenetic location: 16q24.3.
Variant type: Deletion.
Coding change: c.1289del on transcript NM_001012759.3 (MANE Select); coding-DNA position 1289, one base deleted (C; older notation c.1289delC).
Protein change: p.Pro430fs; shifts the reading frame from proline 430.
Molecular consequence: frameshift variant.
Genome position (GRCh38, 1-based): chr16:88,714,674, C deleted; the last of 5 consecutive C bases (chr16:88,714,670-88,714,674); deleting any one gives the same sequence. VCF-style (leftmost placement, unchanged base first): chr16-88714669-AC-A. GRCh37 (hg19) VCF-style: chr16-88781077-AC-A.
Other names: c.1289del, p.Pro430fs (NM_001012762.3); c.1502del, p.Pro501fs (NM_001318507.2); c.1028del, p.Pro343fs (NM_001318513.2); short protein forms P343fs, P430fs, P501fs.
Identifiers: ClinVar variation 5019604 (VCV005019604.2).